The following is an entry in ClinVar:

NM_000138.5(FBN1):c.2228G>A (p.Arg743His)

Gene: FBN1 (fibrillin 1; minus strand). Cytogenetic location: 15q21.1.
Variant type: single nucleotide variant.
Coding change: c.2228G>A on transcript NM_000138.5 (MANE Select); coding-DNA position 2228, G replaced by A.
Protein change: p.Arg743His; replaces arginine 743 with histidine.
Molecular consequence: missense variant.
Genome position (GRCh38, 1-based): chr15:48,497,331, C>T on the plus strand (G>A on the coding strand, the complement: FBN1 is on the minus strand). VCF-style: chr15-48497331-C-T. GRCh37 (hg19) VCF-style: chr15-48789528-C-T.
Other names: short protein forms R743H.
Identifiers: ClinVar variation 439715 (VCV000439715.27), dbSNP rs761942436, ClinGen allele CA047216.

ClinVar aggregate classification (germline): Conflicting classifications of pathogenicity. Review status: criteria provided, conflicting classifications (1 of 4 stars). 9 submissions from 9 submitters: Uncertain significance (7); Likely benign (2). Last evaluated 2025-05-04.

Conditions:
Weill-Marchesani syndrome 2, dominant. Also called: FBN1-Related Weill-Marchesani Syndrome; Weill-Marchesani Syndrome, Autosomal Dominant. Identifiers: Orphanet 2084, MedGen C1869115, MONDO:0012013, OMIM 608328.
Ectopia lentis 1, isolated, autosomal dominant (ECTOL1). Identifiers: Orphanet 1885, MedGen C3541518, MONDO:0007514, OMIM 129600.
Marfan syndrome (MFS). Also called: MARFAN SYNDROME, TYPE I; FBN1-Related Marfan Syndrome; Marfan syndrome type 1; Marfan's syndrome; Marfan syndrome, classic. Identifiers: Orphanet 284963, Orphanet 558, MedGen C0024796, MONDO:0007947, OMIM 154700.
Stiff skin syndrome (SSKS). Identifiers: Orphanet 2833, MedGen C1861456, MONDO:0008492, OMIM 184900.
Acromicric dysplasia (ACMICD). Also called: Acromicric skeletal dysplasia. Identifiers: Orphanet 969, MedGen C0265287, MONDO:0007055, OMIM 102370.
Progeroid and marfanoid aspect-lipodystrophy syndrome. Also called: MARFANOID-PROGEROID SYNDROME; MARFAN-PROGEROID-LIPODYSTROPHY SYNDROME; Marfan lipodystrophy syndrome; MARFANOID-PROGEROID-LIPODYSTROPHY SYNDROME. Identifiers: Orphanet 300382, MedGen C4310796, MONDO:0014831, OMIM 616914.
MASS syndrome (OCTD). Also called: MASS PHENOTYPE; OVERLAP CONNECTIVE TISSUE DISEASE. Identifiers: MedGen C1858556, MONDO:0011431, OMIM 604308.
Geleophysic dysplasia 2 (GPHYSD2). Identifiers: Orphanet 2623, MedGen C3280054, MONDO:0013612, OMIM 614185.
Familial thoracic aortic aneurysm and aortic dissection (TAAD). Also called: Thoracic aortic aneurysms and dissections. Identifiers: Orphanet 91387, MedGen C4707243, MONDO:0019625.
FBN1-related disorder. Also called: FBN1-related disorders.

Allele frequency attached by ClinVar (database versions not stated): gnomAD exomes 0.00002; TOPMed 0.00002; ExAC 0.00001; gnomAD 0.00001.
gnomAD v4.1: 17 of 1,613,690 alleles (0.0011%); highest among the groups gnomAD compares: Admixed American, 0.0067%; no homozygotes.

Submissions (9):

Labcorp Genetics (formerly Invitae), Labcorp
Classification: Likely benign for Marfan syndrome; Familial thoracic aortic aneurysm and aortic dissection. Last evaluated: 2025-05-04. Review status: criteria provided, single submitter. Criteria: Invitae Variant Classification Sherloc (09022015). Collection method: clinical testing. Allele origin: germline.

PreventionGenetics, part of Exact Sciences
Classification: Uncertain significance for FBN1-related condition. Last evaluated: 2024-10-10. Review status: criteria provided, single submitter. Criteria: ACMG Guidelines, 2015. Collection method: clinical testing. Allele origin: germline.
Comment: The FBN1 c.2228G>A variant is predicted to result in the amino acid substitution p.Arg743His. To our knowledge, this variant has not been reported in the literature. This variant is reported in 0.0085% of alleles in individuals of Latino descent in gnomAD. At this time, the clinical significance of this variant is uncertain due to the absence of conclusive functional and genetic evidence.

Color Diagnostics, LLC DBA Color Health
Classification: Likely benign for Familial thoracic aortic aneurysm and aortic dissection. Last evaluated: 2024-07-16. Review status: criteria provided, single submitter. Criteria: ACMG Guidelines, 2015. Collection method: clinical testing. Allele origin: germline.

All of Us Research Program, National Institutes of Health
Classification: Uncertain significance for Marfan syndrome. Last evaluated: 2023-11-02. Review status: criteria provided, single submitter. Criteria: ACMG Guidelines, 2015. Collection method: clinical testing. Allele origin: germline. Inheritance: Autosomal dominant inheritance. Observed: 5 variant alleles, 5 heterozygotes.
Comment: This missense variant replaces arginine with histidine at codon 743 of the FBN1 protein. Computational prediction suggests that this variant may not impact protein structure and function (internally defined REVEL score threshold <= 0.5, PMID: 27666373). To our knowledge, functional studies have not been reported for this variant. This variant has not been reported in individuals affected with cardiovascular disorders in the literature. This variant has been identified in 5/282808 chromosomes in the general population by the Genome Aggregation Database (gnomAD). A different missense variant occurring at the same codon, p.Arg743Cys, is thought to be disease-causing (ClinVar variation ID: 199993). The available evidence is insufficient to determine the role of this variant in disease conclusively. Therefore, this variant is classified as a Variant of Uncertain Significance.

This study involves interpretation of variants in research participants for the purpose of population health screening. Participant phenotype was not available at the time of variant classification. Additional details can be found in publication PMID: 35346344, PMCID: PMC8962531

GeneDx
Classification: Uncertain significance. Last evaluated: 2023-08-18. Review status: criteria provided, single submitter. Criteria: GeneDx Variant Classification Process June 2021. Collection method: clinical testing. Allele origin: germline. Affected: yes.
Comment: Not observed at significant frequency in large population cohorts (gnomAD); In silico analysis supports that this missense variant has a deleterious effect on protein structure/function; Has not been previously published as pathogenic or benign to our knowledge; This variant is associated with the following publications: (PMID: 31227806)

Ambry Genetics
Classification: Uncertain significance for Familial thoracic aortic aneurysm and aortic dissection. Last evaluated: 2023-02-08. Review status: criteria provided, single submitter. Criteria: Ambry Variant Classification Scheme 2023. Collection method: clinical testing. Allele origin: germline.
Comment: The p.R743H variant (also known as c.2228G>A), located in coding exon 18 of the FBN1 gene, results from a G to A substitution at nucleotide position 2228. The arginine at codon 743 is replaced by histidine, an amino acid with highly similar properties. This amino acid position is not well conserved in available vertebrate species. In addition, this alteration is predicted to be tolerated by in silico analysis. Since supporting evidence is limited at this time, the clinical significance of this alteration remains unclear.

Blueprint Genetics
Classification: Uncertain significance. Last evaluated: 2022-10-04. Review status: criteria provided, single submitter. Criteria: ACMG Guidelines, 2015. Collection method: clinical testing. Allele origin: germline.

Fulgent Genetics
Classification: Uncertain significance for Acromicric dysplasia; Ectopia lentis 1, isolated, autosomal dominant; Marfan syndrome; Stiff skin syndrome; MASS syndrome; Weill-Marchesani syndrome 2, dominant; Geleophysic dysplasia 2; Progeroid and marfanoid aspect-lipodystrophy syndrome. Last evaluated: 2021-09-20. Review status: criteria provided, single submitter. Criteria: ACMG Guidelines, 2015. Collection method: clinical testing. Allele origin: unknown.

ARUP Laboratories, Molecular Genetics and Genomics, ARUP Laboratories
Classification: Uncertain significance. Last evaluated: 2017-03-02. Review status: criteria provided, single submitter. Criteria: ARUP Molecular Germline Variant Investigation Process. Collection method: clinical testing. Allele origin: germline.

Literature cited by the submitters: PubMed 31227806 (cited by Ambry Genetics).